The following is an entry in ClinVar:

NM_001374828.1(ARID1B):c.6688C>T (p.Arg2230Cys)

Gene: ARID1B (AT-rich interaction domain 1B; plus strand). Cytogenetic location: 6q25.3.
Variant type: single nucleotide variant.
Coding change: c.6688C>T on transcript NM_001374828.1 (MANE Select); coding-DNA position 6688, C replaced by T.
Protein change: p.Arg2230Cys; replaces arginine 2230 with cysteine.
Molecular consequence: missense variant.
Genome position (GRCh38, 1-based): chr6:157,207,460, C>T. VCF-style: chr6-157207460-C-T. GRCh37 (hg19) VCF-style: chr6-157528594-C-T.
Other names: c.4189C>T, p.Arg1397Cys (NM_001363725.2); c.6568C>T, p.Arg2190Cys (NM_001371656.1, NM_001374820.1); c.6529C>T, p.Arg2177Cys (NM_017519.3); c.6319C>T, p.Arg2107Cys (NM_020732.3); c.6106C>T, p.Arg2036Cys (NM_175863.2); c.6439C>T, p.Arg2147Cys (NM_001346813.1); short protein forms R1397C, R2036C, R2107C, R2147C, R2177C, R2190C, R2230C.
Identifiers: ClinVar variation 2428876 (VCV002428876.4), dbSNP rs2128398106, ClinGen allele CA366248838.
Genomic context (GRCh38, chr6:157,207,460, plus strand): 5'-TGTAAACTCAGTATCCAGGACAATAATGTGGACCTGATCTTGGCCACTCCTCCATTTAGT[C>T]GTCAGGAGAAATTCTATGCTACATTAGTTAGGTACGTTGGGGATCGCAAAAACCCAGTCT-3'
Protein context (NP_001361757.1, residues 2220-2240): DLILATPPFS[Arg2230Cys]QEKFYATLVR

ClinVar aggregate classification (germline): Uncertain significance. Review status: criteria provided, multiple submitters, no conflicts (2 of 4 stars). 2 submissions from 2 submitters: Uncertain significance (2). Last evaluated 2025-12-01.

Conditions:
Coffin-Siris syndrome 1 (CSS1). Also called: Mental retardation, autosomal dominant 12; ARID1B-Related Coffin-Siris Syndrome. Identifiers: Orphanet 1465, MedGen C3281201, MONDO:0007617, OMIM 135900. Disease mechanism: gain of function.

Allele frequency attached by ClinVar (database versions not stated): gnomAD exomes below 0.00001.

Submissions (2):

Centre de Génétique Humaine, Institut de Pathologie Et de Génétique
Classification: Uncertain significance for Coffin-Siris syndrome 1. Last evaluated: 2025-12-01. Review status: criteria provided, single submitter. Criteria: ACMG Guidelines, 2015. Collection method: clinical testing. Allele origin: de novo. Inheritance: Autosomal dominant inheritance. Affected: yes. Observed: 1 heterozygote.
Comment: This variant is reported 6 times in gnomAD v4.1.0. It affects a highly conserved nucleotide and amino acid. In silico evaluations are ambiguous (Aligne GVGD C65, CADD score 31, REVEL 0.465, Polyphen: no result, SIFT: deleterious). The physicochemical propreties differ largely between Arg and Cys (Grantham distance: 180). No effect on splicing is expected. It is classified as VUS on ClinVar (1 report). It probably arose de novo. Episignature for BAFopathies (AMC, Amsterdam, 21 Oct 2024) does NOT SUPPORT a diagnosis of Coffin Siris type 1.

GeneDx
Classification: Uncertain significance. Last evaluated: 2023-02-01. Review status: criteria provided, single submitter. Criteria: GeneDx Variant Classification Process June 2021. Collection method: clinical testing. Allele origin: germline. Affected: yes.
Comment: Not observed at significant frequency in large population cohorts (gnomAD); In silico analysis supports that this missense variant has a deleterious effect on protein structure/function; Has not been previously published as pathogenic or benign to our knowledge; This variant is associated with the following publications: (PMID: 27535533)